The following is an entry in ClinVar:

NM_000334.4(SCN4A):c.2835A>C (p.Ser945=)

Genes: GH-LCR (growth hormone locus control region; plus strand), SCN4A (sodium voltage-gated channel alpha subunit 4; minus strand). Cytogenetic location: 17q23.3.
Variant type: single nucleotide variant.
Coding change: c.2835A>C on transcript NM_000334.4 (MANE Select); coding-DNA position 2835, A replaced by C.
Protein change: p.Ser945=; no amino-acid change (serine 945 retained).
Molecular consequence: synonymous variant.
Genome position (GRCh38, 1-based): chr17:63,951,442, T>G on the plus strand (A>C on the coding strand, the complement: SCN4A is on the minus strand). VCF-style: chr17-63951442-T-G. GRCh37 (hg19) VCF-style: chr17-62028802-T-G.
Identifiers: ClinVar variation 743144 (VCV000743144.25), dbSNP rs1597973422, ClinGen allele CA501348508.

ClinVar aggregate classification (germline): Likely benign. Review status: criteria provided, multiple submitters, no conflicts (2 of 4 stars). 2 submissions from 2 submitters: Likely benign (2). Last evaluated 2024-01-01.

Submissions (2):

CeGaT Center for Human Genetics Tuebingen
Classification: Likely benign. Last evaluated: 2024-01-01. Review status: criteria provided, single submitter. Criteria: CeGaT Center For Human Genetics Tuebingen Variant Classification Criteria Version 2. Collection method: clinical testing. Allele origin: germline. Affected: yes. Observed: 1 variant allele.
Comment: SCN4A: BP4, BP7

Labcorp Genetics (formerly Invitae), Labcorp
Classification: Likely benign. Last evaluated: 2018-07-13. Review status: criteria provided, single submitter. Criteria: Invitae Variant Classification Sherloc (09022015). Collection method: clinical testing. Allele origin: germline.